The following is an entry in ClinVar:

ClinVar aggregate classification (germline): Conflicting classifications of pathogenicity. Review status: criteria provided, conflicting classifications (1 of 4 stars). 6 submissions from 6 submitters: Uncertain significance (1); Likely benign (3). 2 of the submissions do not count toward it. Last evaluated 2026-01-16.

Conditions:
Medulloblastoma (MDB). Also called: Medulloblastoma, somatic; MEDULLOBLASTOMA PREDISPOSITION SYNDROME. Identifiers: Orphanet 616, MedGen C0025149, MeSH D008527, MONDO:0007959, OMIM 155255, HP:0002885.
Gorlin syndrome. Also called: Nevoid Basal Cell Carcinoma Syndrome; Basal cell nevus syndrome. Identifiers: Orphanet 377, MedGen C0004779, MONDO:0007187.
Hereditary cancer-predisposing syndrome. Also called: Tumor predisposition; Neoplastic Syndromes, Hereditary; Hereditary Cancer Syndrome; Hereditary neoplastic syndrome. Identifiers: Orphanet 140162, MedGen C0027672, MeSH D009386, MONDO:0015356.

Allele frequency attached by ClinVar (database versions not stated): ExAC 0.00002; gnomAD exomes 0.00005 and 0.00006; gnomAD 0.00006 and 0.00007; TOPMed 0.00007; 1000 Genomes Project 30x 0.00016; 1000 Genomes Project 0.00020.
gnomAD v4.1: 98 of 1,610,588 alleles (0.0061%); highest among the groups gnomAD compares: Non-Finnish European, 0.0076%; no homozygotes.

Submissions (6):

Labcorp Genetics (formerly Invitae), Labcorp
Classification: Likely benign for Gorlin syndrome; Medulloblastoma. Last evaluated: 2026-01-16. Review status: criteria provided, single submitter. Criteria: Invitae Variant Classification Sherloc (09022015). Collection method: clinical testing. Allele origin: germline.

Quest Diagnostics Nichols Institute San Juan Capistrano
Classification: Likely benign. Last evaluated: 2025-01-08. Review status: criteria provided, single submitter. Criteria: Quest Diagnostics criteria. Collection method: clinical testing. Allele origin: unknown.

Sema4
Classification: Uncertain significance for Hereditary cancer-predisposing syndrome. Last evaluated: 2021-08-24. Review status: criteria provided, single submitter. Criteria: Sema4 Curation Guidelines. Collection method: curation. Allele origin: germline.
Comment: The SUFU c.911-7G>A variant has not been reported in the literature to our knowledge. It was observed in 12/129096 chromosomes of the European (non-Finnish) subpopulation, with no homozygotes, in the large and broad cohorts of the Genome Aggregation Database (PMID: 32461654) and has been reported in ClinVar (Variation ID 406391). Functional studies have not been performed, and in silico predictions of the variant's effect on splicing are inconclusive. The evidence is insufficient to meet ACMG/AMP criteria for classifying the variant as benign or pathogenic. Thus, the clinical significance of this variant is currently uncertain.

Genetic Services Laboratory, University of Chicago
Classification: Likely benign. Last evaluated: 2021-06-17. Review status: criteria provided, single submitter. Criteria: ACMG Guidelines, 2015. Collection method: clinical testing. Allele origin: germline. Affected: no.

Diagnostic Laboratory, Department of Genetics, University Medical Center Groningen
Classification: Likely benign. Review status: no assertion criteria provided. Collection method: clinical testing. Allele origin: germline. Affected: yes. Study: VKGL Data-share Consensus. Not counted in ClinVar's aggregate classification.

Joint Genome Diagnostic Labs from Nijmegen and Maastricht, Radboudumc and MUMC+
Classification: Likely benign. Review status: no assertion criteria provided. Collection method: clinical testing. Allele origin: germline. Affected: yes. Study: VKGL Data-share Consensus. Not counted in ClinVar's aggregate classification.

NM_016169.4(SUFU):c.911-7G>A

Gene: SUFU (SUFU negative regulator of hedgehog signaling; plus strand). Cytogenetic location: 10q24.32.
Variant type: single nucleotide variant.
Coding change: c.911-7G>A on transcript NM_016169.4 (MANE Select); 7 bases into the intron before coding-DNA position 911, G replaced by A.
Molecular consequence: intron variant.
Genome position (GRCh38, 1-based): chr10:102,599,426, G>A. VCF-style: chr10-102599426-G-A. GRCh37 (hg19) VCF-style: chr10-104359183-G-A.
Other names: c.911-7G>A (NM_001178133.2).
Identifiers: ClinVar variation 406391 (VCV000406391.19), dbSNP rs558661774, ClinGen allele CA5667816.